The following is an entry in ClinVar:

NM_006565.4(CTCF):c.2000-1G>A

Gene: CTCF (CCCTC-binding factor; plus strand). Cytogenetic location: 16q22.1.
Variant type: single nucleotide variant.
Coding change: c.2000-1G>A on transcript NM_006565.4 (MANE Select); the canonical splice acceptor site of the intron before coding-DNA position 2000, G replaced by A.
Molecular consequence: splice acceptor variant. On other transcripts: intron variant (2).
Genome position (GRCh38, 1-based): chr16:67,637,687, G>A. VCF-style: chr16-67637687-G-A. GRCh37 (hg19) VCF-style: chr16-67671590-G-A.
Other names: c.2000-7G>A (NM_001438969.1, NM_001363916.2); c.1016-1G>A (NM_001191022.2); c.2000-1G>A (NM_001438968.1).
Identifiers: ClinVar variation 4536285 (VCV004536285.2).

ClinVar aggregate classification (germline): Pathogenic (1 of 4 stars; one submission).

Submission:

GeneDx
Classification: Pathogenic. Last evaluated: 2026-02-20. Review status: criteria provided, single submitter. Criteria: GeneDx Variant Classification Process June 2021. Collection method: clinical testing. Allele origin: germline.
Comment: Reported as a paternally inherited variant in a patient with autism in published literature; however, no further clinical information was provided (PMID: 33004838); Canonical splice site variant predicted to result in a null allele in a gene for which loss of function is a known mechanism of disease; Not observed at significant frequency in large population cohorts (gnomAD); This variant is associated with the following publications: (PMID: 36454652, 33004838)